The following is an entry in ClinVar:

ClinVar aggregate classification (germline): Uncertain significance (1 of 4 stars; one submission).

Conditions:
Congenital myopathy with internal nuclei and atypical cores. Also called: Myopathy, centronuclear, 4. Identifiers: Orphanet 319160, MedGen C4707232, MONDO:0013890, OMIM 614807.

gnomAD v4.1: 10 of 1,606,472 alleles (0.00062%); highest among the groups gnomAD compares: East Asian, 0.0045%; no homozygotes.

Submission:

Labcorp Genetics (formerly Invitae), Labcorp
Classification: Uncertain significance for Congenital myopathy with internal nuclei and atypical cores. Last evaluated: 2024-09-11. Review status: criteria provided, single submitter. Criteria: Invitae Variant Classification Sherloc (09022015). Collection method: clinical testing. Allele origin: germline.
Comment: This sequence change creates a premature translational stop signal (p.Arg207*) in the CCDC78 gene. It is expected to result in an absent or disrupted protein product. However, the current clinical and genetic evidence is not sufficient to establish whether loss-of-function variants in CCDC78 cause disease. The frequency data for this variant in the population databases is considered unreliable, as metrics indicate poor data quality at this position in the gnomAD database. This variant has not been reported in the literature in individuals affected with CCDC78-related conditions. Algorithms developed to predict the effect of sequence changes on RNA splicing suggest that this variant may disrupt the consensus splice site. In summary, the available evidence is currently insufficient to determine the role of this variant in disease. Therefore, it has been classified as a Variant of Uncertain Significance.

NM_001378030.1(CCDC78):c.619C>T (p.Arg207Ter)

Gene: CCDC78 (coiled-coil domain containing 78; minus strand). Cytogenetic location: 16p13.3.
Variant type: single nucleotide variant.
Coding change: c.619C>T on transcript NM_001378030.1 (MANE Select); coding-DNA position 619, C replaced by T.
Protein change: p.Arg207Ter; replaces arginine 207 with a stop codon.
Molecular consequence: nonsense. On other transcripts: non-coding transcript variant (5), intron variant (1).
Genome position (GRCh38, 1-based): chr16:724,931, G>A on the plus strand (C>T on the coding strand, the complement: CCDC78 is on the minus strand). VCF-style: chr16-724931-G-A. GRCh37 (hg19) VCF-style: chr16-774931-G-A.
Other names: c.619C>T, p.Arg207Ter (NM_001031737.3, NM_001378031.1); c.198+147C>T (NM_001378033.1); short protein forms R207*.
Identifiers: ClinVar variation 3614254 (VCV003614254.2).